The following is an entry in ClinVar:

ClinVar aggregate classification (germline): Uncertain significance (1 of 4 stars; one submission).

Submission:

CeGaT Center for Human Genetics Tuebingen
Classification: Uncertain significance. Last evaluated: 2026-04-01. Review status: criteria provided, single submitter. Criteria: CeGaT Center For Human Genetics Tuebingen Variant Classification Criteria Version 2. Collection method: clinical testing. Allele origin: germline. Affected: yes. Observed: 1 variant allele.
Comment: TIA1: PM2, BP4

NM_022173.4(TIA1):c.398+4A>C

Gene: TIA1 (TIA1 cytotoxic granule associated RNA binding protein; minus strand). Cytogenetic location: 2p13.3.
Variant type: single nucleotide variant.
Coding change: c.398+4A>C on transcript NM_022173.4 (MANE Select); 4 bases into the intron after coding-DNA position 398, A replaced by C.
Molecular consequence: intron variant.
Genome position (GRCh38, 1-based): chr2:70,227,731, T>G on the plus strand (A>C on the coding strand, the complement: TIA1 is on the minus strand). VCF-style: chr2-70227731-T-G. GRCh37 (hg19) VCF-style: chr2-70454863-T-G.
Other names: c.254+4A>C (NM_001351513.1); c.287+4A>C (NM_001351511.1); c.260+4A>C (NM_001351512.1); c.170+4A>C (NM_001351514.2, NM_001351523.2); c.-23+4A>C (NM_001351524.2); c.-127+4A>C (NM_001351517.2); c.365+4A>C (NM_001351510.2, NM_022037.4, NM_001351521.2); c.-89+4A>C (NM_001351525.2); and 4 more.
Identifiers: ClinVar variation 4874779 (VCV004874779.2).
Genomic context (GRCh38, chr2:70,227,731, plus strand): 5'-TCAAGTTATGTCTACATATAATTGTTTCTAATTAAAAGGATTTTATTTATCTTCTGTTAC[T>G]TACGATATTCTTCCAAATGGTGCAAAAGCAGCTTTTATATCTTCAGTTGTAATTTCTGGG-3'